The following is an entry in ClinVar:

NM_002615.7(SERPINF1):c.1036A>G (p.Ile346Val)

Gene: SERPINF1 (serpin family F member 1; plus strand). Cytogenetic location: 17p13.3.
Variant type: single nucleotide variant.
Coding change: c.1036A>G on transcript NM_002615.7 (MANE Select); coding-DNA position 1036, A replaced by G.
Protein change: p.Ile346Val; replaces isoleucine 346 with valine.
Molecular consequence: missense variant.
Genome position (GRCh38, 1-based): chr17:1,777,225, A>G. VCF-style: chr17-1777225-A-G. GRCh37 (hg19) VCF-style: chr17-1680519-A-G.
Other names: c.1036A>G, p.Ile346Val (NM_001329903.2); c.475A>G, p.Ile159Val (NM_001329904.2, NM_001329905.2); short protein forms I159V, I346V.
Identifiers: ClinVar variation 4525856 (VCV004525856.1).

ClinVar aggregate classification (germline): Uncertain significance (1 of 4 stars; one submission).

Submission:

Women's Health and Genetics/Laboratory Corporation of America, LabCorp
Classification: Uncertain significance. Last evaluated: 2025-07-16. Review status: criteria provided, single submitter. Criteria: LabCorp Variant Classification Summary - May 2015. Collection method: clinical testing. Allele origin: germline.
Comment: Variant summary: SERPINF1 c.1036A>G (p.Ile346Val) results in a conservative amino acid change in the encoded protein sequence. Algorithms developed to predict the effect of missense changes on protein structure and function are either unavailable or do not agree on the potential impact of this missense change. The variant was absent in 251484 control chromosomes. The available data on variant occurrences in the general population are insufficient to allow any conclusion about variant significance. To our knowledge, no occurrence of c.1036A>G in individuals affected with Osteogenesis Imperfecta and no experimental evidence demonstrating its impact on protein function have been reported. No submitters have cited clinical-significance assessments for this variant to ClinVar. Based on the evidence outlined above, the variant was classified as uncertain significance.